The following is an entry in ClinVar:

ClinVar aggregate classification (germline): Uncertain significance (1 of 4 stars; one submission).

Conditions:
Familial hypercholesterolemia. Also called: Familial hypercholesterolaemia. Identifiers: MedGen C0020445, MONDO:0005439.

gnomAD v4.1: 1 of 1,613,972 alleles (0.000062%); highest among the groups gnomAD compares: South Asian, 0.0011%; no homozygotes.

Submission:

Cambridge Genomics Laboratory, East Genomic Laboratory Hub, NHS Genomic Medicine Service
Classification: Uncertain significance for Familial hypercholesterolaemia. Last evaluated: 2024-01-23. Review status: criteria provided, single submitter. Criteria: ACGS Best Practice Guidelines for Variant Classification in Rare Disease 2020. Collection method: clinical testing. Allele origin: germline. Affected: yes.
Comment: The p.Pro269His variant is observed in 1/30.616 (0.0033%) alleles from individuals of gnomAD South Asian background in gnomAD All. The p.Pro269His variant is novel (not in any individuals) in 1kG All. (PM2 - Moderate) | The p.Pro269His missense variant is predicted to be damaging by both SIFT and PolyPhen2. The proline residue at codon 269 of APOB is conserved in all mammalian species. The nucleotide c.806 in APOB is predicted conserved by GERP++ and PhyloP across 100 vertebrates. (PP3 - Supporting)

NM_000384.3(APOB):c.806C>A (p.Pro269His)

Gene: APOB (apolipoprotein B; minus strand). Cytogenetic location: 2p24.1.
Variant type: single nucleotide variant.
Coding change: c.806C>A on transcript NM_000384.3 (MANE Select); coding-DNA position 806, C replaced by A.
Protein change: p.Pro269His; replaces proline 269 with histidine.
Molecular consequence: missense variant.
Genome position (GRCh38, 1-based): chr2:21,035,596, G>T on the plus strand (C>A on the coding strand, the complement: APOB is on the minus strand). VCF-style: chr2-21035596-G-T. GRCh37 (hg19) VCF-style: chr2-21258468-G-T.
Other names: short protein forms P269H.
Identifiers: ClinVar variation 4812871 (VCV004812871.1).
Genomic context (GRCh38, chr2:21,035,596, plus strand): 5'-CACACTGACCCATTAAATGACAAATCAGGGGTGCATCACATGACCTACTTGTAGGAGAAA[G>T]GCAGGAAGAGGTGTTGCTCCTTGCAGATGGCTTCTGCCACATGCTTCCTCTTAGCGTCCA-3'
Protein context (NP_000375.3, residues 259-279): AICKEQHLFL[Pro269His]FSYKNKYGMV